The following is an entry in ClinVar:

NM_206937.2(LIG4):c.2222G>A (p.Arg741His)

Gene: LIG4 (DNA ligase 4; minus strand). Cytogenetic location: 13q33.3.
Variant type: single nucleotide variant.
Coding change: c.2222G>A on transcript NM_206937.2 (MANE Select); coding-DNA position 2222, G replaced by A.
Protein change: p.Arg741His; replaces arginine 741 with histidine.
Molecular consequence: missense variant.
Genome position (GRCh38, 1-based): chr13:108,209,047, C>T on the plus strand (G>A on the coding strand, the complement: LIG4 is on the minus strand). VCF-style: chr13-108209047-C-T. GRCh37 (hg19) VCF-style: chr13-108861395-C-T.
Other names: c.2222G>A, p.Arg741His (NM_001098268.2, NM_001352598.2, NM_001352599.2 and 6 more transcripts); c.2021G>A, p.Arg674His (NM_001330595.2); c.2258G>A, p.Arg753His (NM_001352604.2); short protein forms R741H, R753H, R674H.
Identifiers: ClinVar variation 310979 (VCV000310979.19), dbSNP rs143767581, ClinGen allele CA7043543.
Genomic context (GRCh38, chr13:108,209,047, plus strand): 5'-TAGCAATCATATTCACGGGCAAAATGTTCTTTGGTTGATGGGCACATATGAATCATAAAG[C>T]GAGGCTGCCATGGTACAAAGCTTTTGGTCTTAAAACATTCTAAAAGCCATGCAGGCTTGA-3'
Protein context (NP_996820.1, residues 731-751): KTKSFVPWQP[Arg741His]FMIHMCPSTK

ClinVar aggregate classification (germline): Conflicting classifications of pathogenicity. Review status: criteria provided, conflicting classifications (1 of 4 stars). 6 submissions from 5 submitters: Uncertain significance (3); Benign (2); Likely benign (1). Last evaluated 2026-02-02.

Conditions:
DNA ligase IV deficiency. Identifiers: Orphanet 99812, MedGen C1847827, MONDO:0011686, OMIM 606593.
Severe combined immunodeficiency due to DCLRE1C deficiency (RS-SCID). Also called: SCID, AUTOSOMAL RECESSIVE, T CELL-NEGATIVE, B CELL-NEGATIVE, NK CELL-POSITIVE, WITH SENSITIVITY TO IONIZING RADIATION. Identifiers: Orphanet 275, MedGen C1865371, MONDO:0011225, OMIM 602450.
Inborn genetic diseases. Identifiers: MedGen C0950123, MeSH D030342.

Allele frequency attached by ClinVar (database versions not stated): ESP Exome Variant Server 0.00046; gnomAD exomes 0.00061; gnomAD 0.00043; TOPMed 0.00037; ExAC 0.00045.
gnomAD v4.1: 470 of 1,613,954 alleles (0.029%); highest among the groups gnomAD compares: Admixed American, 0.02%; 2 homozygotes.

Submissions (6):

Labcorp Genetics (formerly Invitae), Labcorp
Classification: Benign for DNA ligase IV deficiency. Last evaluated: 2026-02-02. Review status: criteria provided, single submitter. Criteria: Invitae Variant Classification Sherloc (09022015). Collection method: clinical testing. Allele origin: germline.

Blueprint Genetics
Classification: Uncertain significance. Last evaluated: 2024-09-13. Review status: criteria provided, single submitter. Criteria: ACMG Guidelines, 2015. Collection method: clinical testing. Allele origin: germline.

GeneDx
Classification: Likely benign. Last evaluated: 2023-06-28. Review status: criteria provided, single submitter. Criteria: GeneDx Variant Classification Process June 2021. Collection method: clinical testing. Allele origin: germline. Affected: yes.
Comment: See Variant Classification Assertion Criteria.

Ambry Genetics
Classification: Benign for Inborn genetic diseases. Last evaluated: 2022-01-05. Review status: criteria provided, single submitter. Criteria: Ambry Variant Classification Scheme 2023. Collection method: clinical testing. Allele origin: germline.

Illumina Laboratory Services, Illumina
Classification: Uncertain significance for Severe combined immunodeficiency due to DCLRE1C deficiency. Last evaluated: 2018-01-13. Review status: criteria provided, single submitter. Criteria: ICSL Variant Classification Criteria 13 December 2019. Collection method: clinical testing. Allele origin: germline.

Illumina Laboratory Services, Illumina
Classification: Uncertain significance for DNA ligase IV deficiency. Last evaluated: 2018-01-13. Review status: criteria provided, single submitter. Criteria: ICSL Variant Classification Criteria 13 December 2019. Collection method: clinical testing. Allele origin: germline.